The following is an entry in ClinVar:

ClinVar aggregate classification (germline): Uncertain significance (1 of 4 stars; one submission).

Allele frequency attached by ClinVar (database versions not stated): TOPMed below 0.00001.
gnomAD v4.1: 1 of 1,614,048 alleles (0.000062%); no homozygotes.

Submission:

Labcorp Genetics (formerly Invitae), Labcorp
Classification: Uncertain significance. Last evaluated: 2025-04-08. Review status: criteria provided, single submitter. Criteria: Invitae Variant Classification Sherloc (09022015). Collection method: clinical testing. Allele origin: germline.
Comment: This sequence change replaces leucine, which is neutral and non-polar, with proline, which is neutral and non-polar, at codon 1415 of the IGSF10 protein (p.Leu1415Pro). This variant is not present in population databases (gnomAD no frequency). This variant has not been reported in the literature in individuals affected with IGSF10-related conditions. ClinVar contains an entry for this variant (Variation ID: 2807152). An algorithm developed to predict the effect of missense changes on protein structure and function (PolyPhen-2) suggests that this variant is likely to be tolerated. In summary, the available evidence is currently insufficient to determine the role of this variant in disease. Therefore, it has been classified as a Variant of Uncertain Significance.

NM_178822.5(IGSF10):c.4244T>C (p.Leu1415Pro)

Gene: IGSF10 (immunoglobulin superfamily member 10; minus strand). Cytogenetic location: 3q25.1.
Variant type: single nucleotide variant.
Coding change: c.4244T>C on transcript NM_178822.5 (MANE Select); coding-DNA position 4244, T replaced by C.
Protein change: p.Leu1415Pro; replaces leucine 1415 with proline.
Molecular consequence: missense variant.
Genome position (GRCh38, 1-based): chr3:151,445,737, A>G on the plus strand (T>C on the coding strand, the complement: IGSF10 is on the minus strand). VCF-style: chr3-151445737-A-G. GRCh37 (hg19) VCF-style: chr3-151163525-A-G.
Other names: c.4244T>C, p.Leu1415Pro (NM_001385060.1, NM_001385061.1, NM_001385062.1 and 1 more transcripts); short protein forms L1415P.
Identifiers: ClinVar variation 2807152 (VCV002807152.3), dbSNP rs1055019429, ClinGen allele CA85734391.